The following is an entry in ClinVar:

ClinVar aggregate classification (germline): Uncertain significance (1 of 4 stars; one submission).

Conditions:
KMT2E-related disorder. Also called: KMT2E-related condition.

gnomAD v4.1: 2 of 1,614,134 alleles (0.00012%); highest among the groups gnomAD compares: Non-Finnish European, 0.00017%; no homozygotes.

Submission:

PreventionGenetics, part of Exact Sciences
Classification: Uncertain significance for KMT2E-related condition. Last evaluated: 2026-09-03. Review status: criteria provided, single submitter. Criteria: ACMG Guidelines, 2015. Collection method: clinical testing. Allele origin: germline.
Comment: The KMT2E c.3410T>C variant is predicted to result in the amino acid substitution p.Val1137Ala. To our knowledge, this variant has not been reported in the literature. This variant is reported in 0.00088% of alleles in individuals of European (Non-Finnish) descent in gnomAD. At this time, the clinical significance of this variant is uncertain due to the absence of conclusive functional and genetic evidence.

NM_182931.3(KMT2E):c.3410T>C (p.Val1137Ala)

Gene: KMT2E (lysine methyltransferase 2E (inactive); plus strand). Cytogenetic location: 7q22.3.
Variant type: single nucleotide variant.
Coding change: c.3410T>C on transcript NM_182931.3 (MANE Select); coding-DNA position 3410, T replaced by C.
Protein change: p.Val1137Ala; replaces valine 1137 with alanine.
Molecular consequence: missense variant.
Genome position (GRCh38, 1-based): chr7:105,107,867, T>C. VCF-style: chr7-105107867-T-C. GRCh37 (hg19) VCF-style: chr7-104748314-T-C.
Other names: c.3410T>C, p.Val1137Ala (NM_001410908.1, NM_018682.4); short protein forms V1137A.
Identifiers: ClinVar variation 4989715 (VCV004989715.1).